The following is an entry in ClinVar:

NM_004046.6(ATP5F1A):c.7T>C (p.Ser3Pro)

Genes: ATP5F1A (ATP synthase F1 subunit alpha; minus strand), LOC126862738 (BRD4-independent group 4 enhancer GRCh37_chr18:43677662-43678861; plus strand). Cytogenetic location: 18q21.1.
Variant type: single nucleotide variant.
Coding change: c.7T>C on transcript NM_004046.6 (MANE Select); coding-DNA position 7, T replaced by C.
Protein change: p.Ser3Pro; replaces serine 3 with proline.
Molecular consequence: missense variant. On other transcripts: 5 prime UTR variant (2).
Genome position (GRCh38, 1-based): chr18:46,098,225, A>G on the plus strand (T>C on the coding strand, the complement: ATP5F1A is on the minus strand). VCF-style: chr18-46098225-A-G. GRCh37 (hg19) VCF-style: chr18-43678191-A-G.
Other names: c.7T>C (NM_001001937.1); c.-217T>C (NM_001001935.3); c.7T>C, p.Ser3Pro (NM_001001937.2, NM_001257334.2); c.-480T>C (NM_001257335.2); short protein forms S3P.
Identifiers: ClinVar variation 1682749 (VCV001682749.7), dbSNP rs758593789, ClinGen allele CA8951008.

ClinVar aggregate classification (germline): Uncertain significance. Review status: criteria provided, multiple submitters, no conflicts (2 of 4 stars). 2 submissions from 2 submitters: Uncertain significance (2). Last evaluated 2025-10-10.

Conditions:
Inborn genetic diseases. Identifiers: MedGen C0950123, MeSH D030342.

Allele frequency attached by ClinVar (database versions not stated): gnomAD 0.00003; TOPMed 0.00005; gnomAD exomes 0.00006 and 0.00008; ExAC 0.00008.
gnomAD v4.1: 86 of 1,606,664 alleles (0.0054%); highest among the groups gnomAD compares: Non-Finnish European, 0.007%; no homozygotes.

Submissions (2):

Labcorp Genetics (formerly Invitae), Labcorp
Classification: Uncertain significance. Last evaluated: 2025-10-10. Review status: criteria provided, single submitter. Criteria: Invitae Variant Classification Sherloc (09022015). Collection method: clinical testing. Allele origin: germline.
Comment: This sequence change replaces serine, which is neutral and polar, with proline, which is neutral and non-polar, at codon 3 of the ATP5A1 protein (p.Ser3Pro). This variant is present in population databases (rs758593789, gnomAD 0.02%). This variant has not been reported in the literature in individuals affected with ATP5A1-related conditions. ClinVar contains an entry for this variant (Variation ID: 1682749). Experimental studies and prediction algorithms are not available or were not evaluated, and the functional significance of this variant is currently unknown. In summary, the available evidence is currently insufficient to determine the role of this variant in disease. Therefore, it has been classified as a Variant of Uncertain Significance.

Ambry Genetics
Classification: Uncertain significance for Inborn genetic diseases. Last evaluated: 2021-07-28. Review status: criteria provided, single submitter. Criteria: Ambry Variant Classification Scheme 2023. Collection method: clinical testing. Allele origin: germline.